The following is an entry in ClinVar:

ClinVar aggregate classification (germline): Uncertain significance (1 of 4 stars; one submission).

Allele frequency attached by ClinVar (database versions not stated): ExAC 0.00001; gnomAD 0.00001; gnomAD exomes 0.00001; TOPMed 0.00001.
gnomAD v4.1: 20 of 1,597,606 alleles (0.0013%); highest among the groups gnomAD compares: Non-Finnish European, 0.0015%; no homozygotes.

Submission:

Labcorp Genetics (formerly Invitae), Labcorp
Classification: Uncertain significance. Last evaluated: 2021-08-11. Review status: criteria provided, single submitter. Criteria: Invitae Variant Classification Sherloc (09022015). Collection method: clinical testing. Allele origin: germline.
Comment: In summary, the available evidence is currently insufficient to determine the role of this variant in disease. Therefore, it has been classified as a Variant of Uncertain Significance. Algorithms developed to predict the effect of missense changes on protein structure and function (SIFT, PolyPhen-2, Align-GVGD) all suggest that this variant is likely to be disruptive. This sequence change replaces isoleucine with threonine at codon 747 of the AEBP1 protein (p.Ile747Thr). The isoleucine residue is highly conserved and there is a moderate physicochemical difference between isoleucine and threonine. This variant is present in population databases (rs768469274, ExAC 0.002%). This variant has not been reported in the literature in individuals affected with AEBP1-related conditions.

NM_001129.5(AEBP1):c.2240T>C (p.Ile747Thr)

Gene: AEBP1 (AE binding protein 1; plus strand). Cytogenetic location: 7p13.
Variant type: single nucleotide variant.
Coding change: c.2240T>C on transcript NM_001129.5 (MANE Select); coding-DNA position 2240, T replaced by C.
Protein change: p.Ile747Thr; replaces isoleucine 747 with threonine.
Molecular consequence: missense variant.
Genome position (GRCh38, 1-based): chr7:44,112,580, T>C. VCF-style: chr7-44112580-T-C. GRCh37 (hg19) VCF-style: chr7-44152179-T-C.
Other names: short protein forms I747T.
Identifiers: ClinVar variation 1501127 (VCV001501127.4), dbSNP rs768469274, ClinGen allele CA4238162.